The following is an entry in ClinVar:

NM_001080449.3(DNA2):c.2458G>C (p.Val820Leu)

Gene: DNA2 (DNA replication helicase/nuclease 2; minus strand). Cytogenetic location: 10q21.3.
Variant type: single nucleotide variant.
Coding change: c.2458G>C on transcript NM_001080449.3 (MANE Select); coding-DNA position 2458, G replaced by C.
Protein change: p.Val820Leu; replaces valine 820 with leucine.
Molecular consequence: missense variant. On other transcripts: non-coding transcript variant (1).
Genome position (GRCh38, 1-based): chr10:68,422,549, C>G on the plus strand (G>C on the coding strand, the complement: DNA2 is on the minus strand). VCF-style: chr10-68422549-C-G. GRCh37 (hg19) VCF-style: chr10-70182306-C-G.
Other names: short protein forms V820L.
Identifiers: ClinVar variation 2797238 (VCV002797238.3), dbSNP rs2051679152, ClinGen allele CA376847197.
Genomic context (GRCh38, chr10:68,422,549, plus strand): 5'-CTCCTAGCTAACACTGTTACAAATACCTGTTCATTCTGTACTGCACGGTTAACTGTACAA[C>G]AGCACTCTTATTCTGCTCCAGCCTCTTGAATAAGCTTTCACTCATGCCAAGAGCTCTGTC-3'
Protein context (NP_001073918.2, residues 810-830): FKRLEQNKSA[Val820Leu]VQLTVQYRMN

ClinVar aggregate classification (germline): Uncertain significance (1 of 4 stars; one submission).

Allele frequency attached by ClinVar (database versions not stated): gnomAD exomes below 0.00001; TOPMed below 0.00001.
gnomAD v4.1: 4 of 1,614,030 alleles (0.00025%); highest among the groups gnomAD compares: Non-Finnish European, 0.00034%; no homozygotes.

Submission:

Labcorp Genetics (formerly Invitae), Labcorp
Classification: Uncertain significance. Last evaluated: 2023-09-27. Review status: criteria provided, single submitter. Criteria: Invitae Variant Classification Sherloc (09022015). Collection method: clinical testing. Allele origin: germline.
Comment: In summary, the available evidence is currently insufficient to determine the role of this variant in disease. Therefore, it has been classified as a Variant of Uncertain Significance. Advanced modeling of protein sequence and biophysical properties (such as structural, functional, and spatial information, amino acid conservation, physicochemical variation, residue mobility, and thermodynamic stability) performed at Invitae indicates that this missense variant is not expected to disrupt DNA2 protein function. This variant has not been reported in the literature in individuals affected with DNA2-related conditions. This variant is not present in population databases (gnomAD no frequency). This sequence change replaces valine, which is neutral and non-polar, with leucine, which is neutral and non-polar, at codon 820 of the DNA2 protein (p.Val820Leu).